The following is an entry in ClinVar:

NM_031935.3(HMCN1):c.14562C>T (p.Pro4854=)

Gene: HMCN1 (hemicentin 1; plus strand). Cytogenetic location: 1q31.1.
Variant type: single nucleotide variant.
Coding change: c.14562C>T on transcript NM_031935.3 (MANE Select); coding-DNA position 14562, C replaced by T.
Protein change: p.Pro4854=; no amino-acid change (proline 4854 retained).
Molecular consequence: synonymous variant.
Genome position (GRCh38, 1-based): chr1:186,145,877, C>T. VCF-style: chr1-186145877-C-T. GRCh37 (hg19) VCF-style: chr1-186115009-C-T.
Identifiers: ClinVar variation 294275 (VCV000294275.13), dbSNP rs138776748, ClinGen allele CA1294988.

ClinVar aggregate classification (germline): Benign/Likely benign. Review status: criteria provided, multiple submitters, no conflicts (2 of 4 stars). 3 submissions from 3 submitters: Benign (2); Likely benign (1). Last evaluated 2026-01-21.

Conditions:
Age related macular degeneration 1 (ARMD1). Also called: MACULOPATHY, AGE-RELATED, 1. Identifiers: MedGen C1864205, MONDO:0011285, OMIM 603075.

Allele frequency attached by ClinVar (database versions not stated): ESP Exome Variant Server 0.00008; 1000 Genomes Project 0.00020; gnomAD exomes 0.00020 and 0.00048; gnomAD 0.00030 and 0.00033; 1000 Genomes Project 30x 0.00031; ExAC 0.00031; TOPMed 0.00043.
gnomAD v4.1: 339 of 1,613,998 alleles (0.021%); highest among the groups gnomAD compares: Admixed American, 0.25%; 1 homozygote.

Submissions (3):

Labcorp Genetics (formerly Invitae), Labcorp
Classification: Benign. Last evaluated: 2026-01-21. Review status: criteria provided, single submitter. Criteria: Invitae Variant Classification Sherloc (09022015). Collection method: clinical testing. Allele origin: germline.

Genome-Nilou Lab
Classification: Benign for Age related macular degeneration 1. Last evaluated: 2023-04-11. Review status: criteria provided, single submitter. Criteria: ACMG Guidelines, 2015. Collection method: clinical testing. Allele origin: germline. Affected: no.

Illumina Laboratory Services, Illumina
Classification: Likely benign for Age related macular degeneration 1. Last evaluated: 2018-01-12. Review status: criteria provided, single submitter. Criteria: ICSL Variant Classification Criteria 13 December 2019. Collection method: clinical testing. Allele origin: germline.
Comment: This variant was observed in the ICSL laboratory as part of a predisposition screen in an ostensibly healthy population. It had not been previously curated by ICSL or reported in the Human Gene Mutation Database (HGMD: prior to June 1st, 2018), and was therefore a candidate for classification through an automated scoring system. Utilizing variant allele frequency, disease prevalence and penetrance estimates, and inheritance mode, an automated score was calculated to assess if this variant is too frequent to cause the disease. Based on the score and internal cut-off values, a variant classified as likely benign is not then subjected to further curation. The score for this variant resulted in a classification of likely benign for this disease.